The following is an entry in ClinVar:

ClinVar aggregate classification (germline): Uncertain significance (1 of 4 stars; one submission).

gnomAD v4.1: 82 of 1,614,044 alleles (0.0051%); highest among the groups gnomAD compares: Non-Finnish European, 0.0066%; no homozygotes.

Submission:

GeneDx
Classification: Uncertain significance. Last evaluated: 2024-06-24. Review status: criteria provided, single submitter. Criteria: GeneDx Variant Classification Process June 2021. Collection method: clinical testing. Allele origin: germline. Affected: yes.
Comment: Not observed at significant frequency in large population cohorts (gnomAD); In silico analysis indicates that this missense variant does not alter protein structure/function; Has not been previously published as pathogenic or benign to our knowledge

NM_003676.4(DEGS1):c.224C>T (p.Ala75Val)

Gene: DEGS1 (delta 4-desaturase, sphingolipid 1; plus strand). Cytogenetic location: 1q42.11.
Variant type: single nucleotide variant.
Coding change: c.224C>T on transcript NM_003676.4 (MANE Select); coding-DNA position 224, C replaced by T.
Protein change: p.Ala75Val; replaces alanine 75 with valine.
Molecular consequence: missense variant.
Genome position (GRCh38, 1-based): chr1:224,189,718, C>T. VCF-style: chr1-224189718-C-T. GRCh37 (hg19) VCF-style: chr1-224377420-C-T.
Other names: c.224C>T, p.Ala75Val (NM_001321541.2); c.116C>T, p.Ala39Val (NM_001321542.2); short protein forms A39V, A75V.
Identifiers: ClinVar variation 3573600 (VCV003573600.1).